The following is an entry in ClinVar:

ClinVar aggregate classification (germline): Uncertain significance. Review status: criteria provided, multiple submitters, no conflicts (2 of 4 stars). 3 submissions from 3 submitters: Uncertain significance (3). Last evaluated 2025-05-21.

Conditions:
Exudative vitreoretinopathy 4 (EVR4). Identifiers: Orphanet 891, MedGen C1866176, MONDO:0011151, OMIM 601813.
Worth disease. Also called: ENDOSTEAL HYPEROSTOSIS, AUTOSOMAL DOMINANT; OSTEOSCLEROSIS, AUTOSOMAL DOMINANT; Autosomal dominant osteosclerosis, Worth type. Identifiers: Orphanet 2790, MedGen C0432273, MONDO:0007764, OMIM 144750.
Autosomal dominant osteopetrosis 1 (OPTA1). Also called: OSTEOPETROSIS, AUTOSOMAL DOMINANT, TYPE I. Identifiers: Orphanet 2783, MedGen C1843330, MONDO:0011877, OMIM 607634.
Exudative vitreoretinopathy 1 (EVR1). Also called: CRISWICK-SCHEPENS SYNDROME; FEVR, AUTOSOMAL DOMINANT; Familial exudative vitreoretinopathy, autosomal dominant. Identifiers: Orphanet 891, Orphanet 90050, MedGen C1851402, MONDO:0007589, OMIM 133780.
Bone mineral density quantitative trait locus 1 (BMND1). Identifiers: MedGen C1866079, OMIM 601884.
Osteoporosis. Identifiers: MedGen C0029456, MONDO:0005298, OMIM 166710, HP:0000939.
Osteoporosis with pseudoglioma (OPPG). Also called: osteoporosis-pseudoglioma syndrome. Identifiers: Orphanet 2788, MedGen C0432252, MONDO:0009820, OMIM 259770.
Polycystic liver disease 4 with or without kidney cysts. Identifiers: MedGen C4693479, MONDO:0044327, OMIM 617875.

Allele frequency attached by ClinVar (database versions not stated): gnomAD exomes below 0.00001; ExAC 0.00001; TOPMed 0.00001; ESP Exome Variant Server 0.00008.

Submissions (3):

Labcorp Genetics (formerly Invitae), Labcorp
Classification: Uncertain significance. Last evaluated: 2025-05-21. Review status: criteria provided, single submitter. Criteria: Invitae Variant Classification Sherloc (09022015). Collection method: clinical testing. Allele origin: germline.
Comment: This sequence change replaces methionine, which is neutral and non-polar, with isoleucine, which is neutral and non-polar, at codon 1176 of the LRP5 protein (p.Met1176Ile). This variant is present in population databases (rs148217741, gnomAD 0.003%). This variant has not been reported in the literature in individuals affected with LRP5-related conditions. ClinVar contains an entry for this variant (Variation ID: 636622). Invitae Evidence Modeling of protein sequence and biophysical properties (such as structural, functional, and spatial information, amino acid conservation, physicochemical variation, residue mobility, and thermodynamic stability) indicates that this missense variant is not expected to disrupt LRP5 protein function with a negative predictive value of 95%. In summary, the available evidence is currently insufficient to determine the role of this variant in disease. Therefore, it has been classified as a Variant of Uncertain Significance.

Blueprint Genetics
Classification: Uncertain significance. Last evaluated: 2024-10-07. Review status: criteria provided, single submitter. Criteria: ACMG Guidelines, 2015. Collection method: clinical testing. Allele origin: germline.

Fulgent Genetics
Classification: Uncertain significance for Exudative vitreoretinopathy 1; Worth disease; Osteoporosis; Osteoporosis with pseudoglioma; Exudative vitreoretinopathy 4; Bone mineral density quantitative trait locus 1; Autosomal dominant osteopetrosis 1; Polycystic liver disease 4 with or without kidney cysts. Last evaluated: 2022-01-10. Review status: criteria provided, single submitter. Criteria: ACMG Guidelines, 2015. Collection method: clinical testing. Allele origin: unknown.

NM_002335.4(LRP5):c.3528G>A (p.Met1176Ile)

Gene: LRP5 (LDL receptor related protein 5; plus strand). Cytogenetic location: 11q13.2.
Variant type: single nucleotide variant.
Coding change: c.3528G>A on transcript NM_002335.4 (MANE Select); coding-DNA position 3528, G replaced by A.
Protein change: p.Met1176Ile; replaces methionine 1176 with isoleucine.
Molecular consequence: missense variant.
Genome position (GRCh38, 1-based): chr11:68,426,078, G>A. VCF-style: chr11-68426078-G-A. GRCh37 (hg19) VCF-style: chr11-68193546-G-A.
Other names: c.1785G>A, p.Met595Ile (NM_001291902.2); short protein forms M1176I, M595I.
Identifiers: ClinVar variation 636622 (VCV000636622.8), dbSNP rs148217741, ClinGen allele CA6150019.